The following is an entry in ClinVar:

ClinVar aggregate classification (germline): Uncertain significance (1 of 4 stars; one submission).

Conditions:
Retinitis pigmentosa 71 (RP71). Identifiers: MONDO:0014618, OMIM 616394, Orphanet 791, MedGen C4225342.
Short-rib thoracic dysplasia 10 with or without polydactyly (SRTD10). Identifiers: Orphanet 474, MedGen C3810175, MONDO:0014284, OMIM 615630.

Allele frequency attached by ClinVar (database versions not stated): gnomAD exomes below 0.00001.
gnomAD v4.1: 1 of 1,614,176 alleles (0.000062%); highest among the groups gnomAD compares: Non-Finnish European, 0.000085%; no homozygotes.

Submission:

Labcorp Genetics (formerly Invitae), Labcorp
Classification: Uncertain significance for Retinitis pigmentosa 71; Short-rib thoracic dysplasia 10 with or without polydactyly. Last evaluated: 2019-05-28. Review status: criteria provided, single submitter. Criteria: Invitae Variant Classification Sherloc (09022015). Collection method: clinical testing. Allele origin: germline.
Comment: This sequence change replaces glutamine with lysine at codon 1282 of the IFT172 protein (p.Gln1282Lys). The glutamine residue is moderately conserved and there is a small physicochemical difference between glutamine and lysine. This variant is not present in population databases (ExAC no frequency). This variant has not been reported in the literature in individuals with IFT172-related conditions. Algorithms developed to predict the effect of missense changes on protein structure and function (SIFT, PolyPhen-2, Align-GVGD) all suggest that this variant is likely to be tolerated, but these predictions have not been confirmed by published functional studies and their clinical significance is uncertain. In summary, the available evidence is currently insufficient to determine the role of this variant in disease. Therefore, it has been classified as a Variant of Uncertain Significance.

NM_015662.3(IFT172):c.3844C>A (p.Gln1282Lys)

Genes: IFT172 (intraflagellar transport 172; minus strand), LOC126806173 (BRD4-independent group 4 enhancer GRCh37_chr2:27676057-27677256; plus strand). Cytogenetic location: 2p23.3.
Variant type: single nucleotide variant.
Coding change: c.3844C>A on transcript NM_015662.3 (MANE Select); coding-DNA position 3844, C replaced by A.
Protein change: p.Gln1282Lys; replaces glutamine 1282 with lysine.
Molecular consequence: missense variant.
Genome position (GRCh38, 1-based): chr2:27,453,491, G>T on the plus strand (C>A on the coding strand, the complement: IFT172 is on the minus strand). VCF-style: chr2-27453491-G-T. GRCh37 (hg19) VCF-style: chr2-27676358-G-T.
Other names: short protein forms Q1282K.
Identifiers: ClinVar variation 933875 (VCV000933875.1), dbSNP rs1665885295, ClinGen allele CA346377807.